The following is an entry in ClinVar:

NM_000368.5(TSC1):c.1236C>T (p.Pro412=)

Gene: TSC1 (TSC complex subunit 1; minus strand). Cytogenetic location: 9q34.13.
Variant type: single nucleotide variant.
Coding change: c.1236C>T on transcript NM_000368.5 (MANE Select); coding-DNA position 1236, C replaced by T.
Protein change: p.Pro412=; no amino-acid change (proline 412 retained).
Molecular consequence: synonymous variant.
Genome position (GRCh38, 1-based): chr9:132,910,598, G>A on the plus strand (C>T on the coding strand, the complement: TSC1 is on the minus strand). VCF-style: chr9-132910598-G-A. GRCh37 (hg19) VCF-style: chr9-135785985-G-A.
Other names: c.1233C>T, p.Pro411= (NM_001162426.2); c.1083C>T, p.Pro361= (NM_001162427.2); c.873C>T, p.Pro291= (NM_001362177.2).
Identifiers: ClinVar variation 766681 (VCV000766681.12), dbSNP rs1588321355, ClinGen allele CA467593187.

ClinVar aggregate classification (germline): Benign/Likely benign. Review status: criteria provided, multiple submitters, no conflicts (2 of 4 stars). 3 submissions from 3 submitters: Benign (1); Likely benign (2). Last evaluated 2025-04-09.

Conditions:
Tuberous sclerosis 1 (TSC1). Identifiers: Orphanet 805, MedGen C1854465, MONDO:0008612, OMIM 191100.
Hereditary cancer-predisposing syndrome. Also called: Neoplastic Syndromes, Hereditary; Hereditary neoplastic syndrome; Tumor predisposition; Hereditary Cancer Syndrome. Identifiers: Orphanet 140162, MedGen C0027672, MeSH D009386, MONDO:0015356.

Submissions (3):

Myriad Genetics, Inc.
Classification: Benign for Tuberous sclerosis 1. Last evaluated: 2025-04-09. Review status: criteria provided, single submitter. Criteria: Myriad Autosomal Dominant, Autosomal Recessive and X-Linked Classification Criteria (2023). Collection method: clinical testing. Allele origin: unknown.
Comment: This variant is considered benign. This variant is a silent/synonymous amino acid change and it is not expected to impact splicing.

Ambry Genetics
Classification: Likely benign for Hereditary cancer-predisposing syndrome. Last evaluated: 2023-05-01. Review status: criteria provided, single submitter. Criteria: Ambry Variant Classification Scheme 2023. Collection method: clinical testing. Allele origin: germline.

Labcorp Genetics (formerly Invitae), Labcorp
Classification: Likely benign for Tuberous sclerosis 1. Last evaluated: 2020-01-29. Review status: criteria provided, single submitter. Criteria: Invitae Variant Classification Sherloc (09022015). Collection method: clinical testing. Allele origin: germline.